The following is an entry in ClinVar:

NM_005732.4(RAD50):c.1402G>A (p.Glu468Lys)

Gene: RAD50 (RAD50 double strand break repair protein; plus strand). Cytogenetic location: 5q31.1.
Variant type: single nucleotide variant.
Coding change: c.1402G>A on transcript NM_005732.4 (MANE Select); coding-DNA position 1402, G replaced by A.
Protein change: p.Glu468Lys; replaces glutamic acid 468 with lysine.
Molecular consequence: missense variant.
Genome position (GRCh38, 1-based): chr5:132,589,787, G>A. VCF-style: chr5-132589787-G-A. GRCh37 (hg19) VCF-style: chr5-131925479-G-A.
Other names: short protein forms E468K.
Identifiers: ClinVar variation 141052 (VCV000141052.20), dbSNP rs145031602, ClinGen allele CA333192.

ClinVar aggregate classification (germline): Uncertain significance. Review status: criteria provided, multiple submitters, no conflicts (2 of 4 stars). 7 submissions from 7 submitters: Uncertain significance (7). Last evaluated 2026-01-30.

Conditions:
Hereditary cancer-predisposing syndrome. Also called: Neoplastic Syndromes, Hereditary; Tumor predisposition; Hereditary Cancer Syndrome; Hereditary neoplastic syndrome. Identifiers: Orphanet 140162, MedGen C0027672, MeSH D009386, MONDO:0015356.
Nijmegen breakage syndrome-like disorder (NBSLD). Also called: MICROCEPHALY AND SPONTANEOUS CHROMOSOME INSTABILITY WITHOUT IMMUNODEFICIENCY; NBS-LIKE DISORDER; RAD50 DEFICIENCY. Identifiers: Orphanet 240760, MedGen C2751318, MONDO:0013118, OMIM 613078.

Allele frequency attached by ClinVar (database versions not stated): gnomAD exomes 0.00002 and 0.00004; ExAC 0.00007; gnomAD 0.00013; 1000 Genomes Project 30x 0.00016; TOPMed 0.00017; 1000 Genomes Project 0.00020; ESP Exome Variant Server 0.00038.
gnomAD v4.1: 43 of 1,613,698 alleles (0.0027%); highest among the groups gnomAD compares: African/African-American, 0.055%; no homozygotes.

Submissions (7):

Women's Health and Genetics/Laboratory Corporation of America, LabCorp
Classification: Uncertain significance. Last evaluated: 2026-01-30. Review status: criteria provided, single submitter. Criteria: LabCorp Variant Classification Summary - May 2015. Collection method: clinical testing. Allele origin: germline.
Comment: Variant summary: RAD50 c.1402G>A (p.Glu468Lys) results in a conservative amino acid change in the encoded protein sequence. Algorithms developed to predict the effect of missense changes on protein structure and function are either unavailable or do not agree on the potential impact of this missense change. The variant allele was found at a frequency of 4e-05 in 250126 control chromosomes. This frequency is not significantly higher than estimated for disease-causing variants in RAD50, allowing no conclusion about variant significance. To our knowledge, no occurrence of c.1402G>A in individuals affected with RAD50-related conditions and no experimental evidence demonstrating its impact on protein function have been reported. ClinVar contains an entry for this variant (Variation ID: 141052). Based on the evidence outlined above, the variant was classified as uncertain significance.

GeneDx
Classification: Uncertain significance. Last evaluated: 2025-06-23. Review status: criteria provided, single submitter. Criteria: GeneDx Variant Classification Process June 2021. Collection method: clinical testing. Allele origin: germline. Affected: yes.
Comment: In silico analysis suggests that this missense variant does not alter protein structure/function; This variant is associated with the following publications: (PMID: 35534704, 32832836)

Labcorp Genetics (formerly Invitae), Labcorp
Classification: Uncertain significance for Hereditary cancer-predisposing syndrome. Last evaluated: 2025-05-05. Review status: criteria provided, single submitter. Criteria: Invitae Variant Classification Sherloc (09022015). Collection method: clinical testing. Allele origin: germline.
Comment: This sequence change replaces glutamic acid, which is acidic and polar, with lysine, which is basic and polar, at codon 468 of the RAD50 protein (p.Glu468Lys). This variant is present in population databases (rs145031602, gnomAD 0.05%). This variant has not been reported in the literature in individuals affected with RAD50-related conditions. ClinVar contains an entry for this variant (Variation ID: 141052). Invitae Evidence Modeling of protein sequence and biophysical properties (such as structural, functional, and spatial information, amino acid conservation, physicochemical variation, residue mobility, and thermodynamic stability) indicates that this missense variant is not expected to disrupt RAD50 protein function with a negative predictive value of 80%. In summary, the available evidence is currently insufficient to determine the role of this variant in disease. Therefore, it has been classified as a Variant of Uncertain Significance.

Quest Diagnostics Nichols Institute San Juan Capistrano
Classification: Uncertain significance. Last evaluated: 2024-06-18. Review status: criteria provided, single submitter. Criteria: Quest Diagnostics criteria. Collection method: clinical testing. Allele origin: unknown.
Comment: The RAD50 c.1402G>A (p.Glu468Lys) variant has been reported in the published literature in an individual affected with diverse cancers, including breast cancer, who also carried other genetic variants (PMID: 35534704 (2022)). This variant was also reported in an undescribed carrier in a study of prostate cancer (PMID: 32832836 (2020)). The frequency of this variant in the general population, 0.00056 (14/24826 chromosomes (Genome Aggregation Database)), is uninformative in the assessment of its pathogenicity. Analysis of this variant using bioinformatics tools for the prediction of the effect of amino acid changes on protein structure and function yielded conflicting predictions that this variant is benign or damaging. Based on the available information, we are unable to determine the clinical significance of this variant.

Baylor Genetics
Classification: Uncertain significance for Nijmegen breakage syndrome-like disorder. Last evaluated: 2023-10-05. Review status: criteria provided, single submitter. Criteria: ACMG Guidelines, 2015. Collection method: clinical testing. Allele origin: unknown.

Ambry Genetics
Classification: Uncertain significance for Hereditary cancer-predisposing syndrome. Last evaluated: 2023-05-10. Review status: criteria provided, single submitter. Criteria: Ambry Variant Classification Scheme 2023. Collection method: clinical testing. Allele origin: germline.
Comment: The p.E468K variant (also known as c.1402G>A), located in coding exon 9 of the RAD50 gene, results from a G to A substitution at nucleotide position 1402. The glutamic acid at codon 468 is replaced by lysine, an amino acid with similar properties. This variant was identified in 3/3,579 African males diagnosed with prostate cancer who underwent multi-gene panel testing of 19 DNA repair and cancer predisposition genes (Matejcic M et al. JCO Precis Oncol, 2020 Jan;4:32-43). This amino acid position is highly conserved in available vertebrate species. In addition, the in silico prediction for this alteration is inconclusive. Since supporting evidence is limited at this time, the clinical significance of this alteration remains unclear.

Fulgent Genetics
Classification: Uncertain significance for Nijmegen breakage syndrome-like disorder. Last evaluated: 2021-09-09. Review status: criteria provided, single submitter. Criteria: ACMG Guidelines, 2015. Collection method: clinical testing. Allele origin: unknown.

Literature cited by the submitters: PubMed 32832836 (cited by Quest Diagnostics Nichols Institute San Juan Capistrano and Ambry Genetics); PubMed 33339169 (cited by Quest Diagnostics Nichols Institute San Juan Capistrano); PubMed 35534704 (cited by Quest Diagnostics Nichols Institute San Juan Capistrano).